The following is an entry in ClinVar:

ClinVar aggregate classification (germline): Uncertain significance (1 of 4 stars; one submission).

Conditions:
Fanconi anemia (FA). Also called: Fanconi's anemia. Identifiers: Orphanet 84, MedGen C0015625, MeSH D005199, MONDO:0019391.

Allele frequency attached by ClinVar (database versions not stated): gnomAD exomes below 0.00001.
gnomAD v4.1: 4 of 1,613,992 alleles (0.00025%); highest among the groups gnomAD compares: African/African-American, 0.0027%; no homozygotes.

Submission:

Labcorp Genetics (formerly Invitae), Labcorp
Classification: Uncertain significance for Fanconi anemia. Last evaluated: 2020-01-20. Review status: criteria provided, single submitter. Criteria: Invitae Variant Classification Sherloc (09022015). Collection method: clinical testing. Allele origin: germline.
Comment: This variant is not present in population databases (ExAC no frequency). This variant has not been reported in the literature in individuals with FANCM-related conditions. Algorithms developed to predict the effect of missense changes on protein structure and function are either unavailable or do not agree on the potential impact of this missense change (SIFT: "Tolerated"; PolyPhen-2: "Probably Damaging"; Align-GVGD: "Class C0"). In summary, the available evidence is currently insufficient to determine the role of this variant in disease. Therefore, it has been classified as a Variant of Uncertain Significance. This sequence change replaces glutamic acid with glutamine at codon 1947 of the FANCM protein (p.Glu1947Gln). The glutamic acid residue is moderately conserved and there is a small physicochemical difference between glutamic acid and glutamine.

NM_020937.4(FANCM):c.5839G>C (p.Glu1947Gln)

Gene: FANCM (FA complementation group M; plus strand). Cytogenetic location: 14q21.2.
Variant type: single nucleotide variant.
Coding change: c.5839G>C on transcript NM_020937.4 (MANE Select); coding-DNA position 5839, G replaced by C.
Protein change: p.Glu1947Gln; replaces glutamic acid 1947 with glutamine.
Molecular consequence: missense variant.
Genome position (GRCh38, 1-based): chr14:45,198,766, G>C. VCF-style: chr14-45198766-G-C. GRCh37 (hg19) VCF-style: chr14-45667969-G-C.
Other names: c.5761G>C, p.Glu1921Gln (NM_001308133.2); short protein forms E1947Q, E1921Q.
Identifiers: ClinVar variation 854539 (VCV000854539.9), dbSNP rs1890209507, ClinGen allele CA389587008.